The following is an entry in ClinVar:

ClinVar aggregate classification (germline): Uncertain significance. Review status: criteria provided, multiple submitters, no conflicts (2 of 4 stars). 2 submissions from 2 submitters: Uncertain significance (2). Last evaluated 2024-07-19.

Conditions:
Fanconi anemia (FA). Also called: Fanconi's anemia. Identifiers: Orphanet 84, MedGen C0015625, MeSH D005199, MONDO:0019391.
Fanconi anemia complementation group P. Also called: SLX4-Related Fanconi Anemia. Identifiers: Orphanet 84, MedGen C3469542, MONDO:0013499, OMIM 613951.

Allele frequency attached by ClinVar (database versions not stated): gnomAD exomes 0.00001; TOPMed 0.00001; gnomAD 0.00002.
gnomAD v4.1: 18 of 1,613,640 alleles (0.0011%); highest among the groups gnomAD compares: African/African-American, 0.0027%; no homozygotes.

Submissions (2):

Labcorp Genetics (formerly Invitae), Labcorp
Classification: Uncertain significance for Fanconi anemia. Last evaluated: 2024-07-19. Review status: criteria provided, single submitter. Criteria: Invitae Variant Classification Sherloc (09022015). Collection method: clinical testing. Allele origin: germline.
Comment: This sequence change replaces arginine, which is basic and polar, with histidine, which is basic and polar, at codon 1046 of the SLX4 protein (p.Arg1046His). This variant is present in population databases (no rsID available, gnomAD 0.004%). This variant has not been reported in the literature in individuals affected with SLX4-related conditions. ClinVar contains an entry for this variant (Variation ID: 1503236). An algorithm developed to predict the effect of missense changes on protein structure and function outputs the following: PolyPhen-2: "Benign". The histidine amino acid residue is found in multiple mammalian species, which suggests that this missense change does not adversely affect protein function. In summary, the available evidence is currently insufficient to determine the role of this variant in disease. Therefore, it has been classified as a Variant of Uncertain Significance.

Fulgent Genetics
Classification: Uncertain significance for Fanconi anemia complementation group P. Last evaluated: 2024-06-05. Review status: criteria provided, single submitter. Criteria: ACMG Guidelines, 2015. Collection method: clinical testing. Allele origin: germline.

NM_032444.4(SLX4):c.3137G>A (p.Arg1046His)

Gene: SLX4 (SLX4 structure-specific endonuclease subunit; minus strand). Cytogenetic location: 16p13.3.
Variant type: single nucleotide variant.
Coding change: c.3137G>A on transcript NM_032444.4 (MANE Select); coding-DNA position 3137, G replaced by A.
Protein change: p.Arg1046His; replaces arginine 1046 with histidine.
Molecular consequence: missense variant.
Genome position (GRCh38, 1-based): chr16:3,590,501, C>T on the plus strand (G>A on the coding strand, the complement: SLX4 is on the minus strand). VCF-style: chr16-3590501-C-T. GRCh37 (hg19) VCF-style: chr16-3640502-C-T.
Other names: short protein forms R1046H.
Identifiers: ClinVar variation 1503236 (VCV001503236.9), dbSNP rs1008752654, ClinGen allele CA276959111.